The following is an entry in ClinVar:

NM_001830.4(CLCN4):c.1315T>C (p.Tyr439His)

Gene: CLCN4 (chloride voltage-gated channel 4; plus strand). Cytogenetic location: Xp22.2.
Variant type: single nucleotide variant.
Coding change: c.1315T>C on transcript NM_001830.4 (MANE Select); coding-DNA position 1315, T replaced by C.
Protein change: p.Tyr439His; replaces tyrosine 439 with histidine.
Molecular consequence: missense variant.
Genome position (GRCh38, 1-based): chrX:10,208,516, T>C. VCF-style: chrX-10208516-T-C. GRCh37 (hg19) VCF-style: chrX-10176556-T-C.
Other names: c.1033T>C, p.Tyr345His (NM_001256944.2); short protein forms Y439H, Y345H.
Identifiers: ClinVar variation 2856670 (VCV002856670.3), dbSNP rs1924455079, ClinGen allele CA412038549.
Genomic context (GRCh38, chrX:10,208,516, plus strand): 5'-GACCCCAACATGACTCGGCCTGTGGATGACATTCCAGACCGGCCGGCTGGTGTCGGTGTT[T>C]ACACGGCCATGTGGCAGCTGGCCCTGGCACTGATCTTCAAAATCGTCGTTACCATATTTA-3'
Protein context (NP_001821.2, residues 429-449): IPDRPAGVGV[Tyr439His]TAMWQLALAL

ClinVar aggregate classification (germline): Uncertain significance (1 of 4 stars; one submission).

Allele frequency attached by ClinVar (database versions not stated): gnomAD 0.00001.
gnomAD v4.1: 1 of 1,209,434 alleles (0.000083%); highest among the groups gnomAD compares: African/African-American, 0.0018%; no homozygotes.

Submission:

Labcorp Genetics (formerly Invitae), Labcorp
Classification: Uncertain significance. Last evaluated: 2023-04-15. Review status: criteria provided, single submitter. Criteria: Invitae Variant Classification Sherloc (09022015). Collection method: clinical testing. Allele origin: germline.
Comment: In summary, the available evidence is currently insufficient to determine the role of this variant in disease. Therefore, it has been classified as a Variant of Uncertain Significance. Advanced modeling of protein sequence and biophysical properties (such as structural, functional, and spatial information, amino acid conservation, physicochemical variation, residue mobility, and thermodynamic stability) has been performed at Invitae for this missense variant, however the output from this modeling did not meet the statistical confidence thresholds required to predict the impact of this variant on CLCN4 protein function. This variant has not been reported in the literature in individuals affected with CLCN4-related conditions. This variant is not present in population databases (gnomAD no frequency). This sequence change replaces tyrosine, which is neutral and polar, with histidine, which is basic and polar, at codon 439 of the CLCN4 protein (p.Tyr439His).